The following is an entry in ClinVar:

ClinVar aggregate classification (germline): Uncertain significance (1 of 4 stars; one submission).

Conditions:
DOCK2 deficiency. Also called: Immunodeficiency 40. Identifiers: Orphanet 447737, MedGen C4225328, MONDO:0014637, OMIM 616433.

Allele frequency attached by ClinVar (database versions not stated): gnomAD exomes 0.00002 and 0.00003; gnomAD 0.00003 and 0.00004; ExAC 0.00004; TOPMed 0.00006.
gnomAD v4.1: 52 of 1,613,822 alleles (0.0032%); highest among the groups gnomAD compares: African/African-American, 0.0053%; no homozygotes.

Submission:

Labcorp Genetics (formerly Invitae), Labcorp
Classification: Uncertain significance for DOCK2 deficiency. Last evaluated: 2022-07-30. Review status: criteria provided, single submitter. Criteria: Invitae Variant Classification Sherloc (09022015). Collection method: clinical testing. Allele origin: germline.
Comment: This sequence change replaces arginine, which is basic and polar, with histidine, which is basic and polar, at codon 477 of the DOCK2 protein (p.Arg477His). This variant is present in population databases (rs778909898, gnomAD 0.004%). This variant has not been reported in the literature in individuals affected with DOCK2-related conditions. ClinVar contains an entry for this variant (Variation ID: 1400859). Algorithms developed to predict the effect of missense changes on protein structure and function output the following: SIFT: "Tolerated"; PolyPhen-2: "Benign"; Align-GVGD: "Class C0". The histidine amino acid residue is found in multiple mammalian species, which suggests that this missense change does not adversely affect protein function. In summary, the available evidence is currently insufficient to determine the role of this variant in disease. Therefore, it has been classified as a Variant of Uncertain Significance.

NM_004946.3(DOCK2):c.1430G>A (p.Arg477His)

Gene: DOCK2 (dedicator of cytokinesis 2; plus strand). Cytogenetic location: 5q35.1.
Variant type: single nucleotide variant.
Coding change: c.1430G>A on transcript NM_004946.3 (MANE Select); coding-DNA position 1430, G replaced by A.
Protein change: p.Arg477His; replaces arginine 477 with histidine.
Molecular consequence: missense variant. On other transcripts: non-coding transcript variant (1).
Genome position (GRCh38, 1-based): chr5:169,708,215, G>A. VCF-style: chr5-169708215-G-A. GRCh37 (hg19) VCF-style: chr5-169135219-G-A.
Other names: short protein forms R477H.
Identifiers: ClinVar variation 1400859 (VCV001400859.3), dbSNP rs778909898, ClinGen allele CA3553467.